The following is an entry in ClinVar:

NM_001846.4(COL4A2):c.3218G>A (p.Gly1073Asp)

Gene: COL4A2 (collagen type IV alpha 2 chain; plus strand). Cytogenetic location: 13q34.
Variant type: single nucleotide variant.
Coding change: c.3218G>A on transcript NM_001846.4 (MANE Select); coding-DNA position 3218, G replaced by A.
Protein change: p.Gly1073Asp; replaces glycine 1073 with aspartic acid.
Molecular consequence: missense variant.
Genome position (GRCh38, 1-based): chr13:110,489,455, G>A. VCF-style: chr13-110489455-G-A. GRCh37 (hg19) VCF-style: chr13-111141802-G-A.
Other names: short protein forms G1073D.
Identifiers: ClinVar variation 2812433 (VCV002812433.3), dbSNP rs1883212029, ClinGen allele CA388730663.

ClinVar aggregate classification (germline): Uncertain significance (1 of 4 stars; one submission).

Submission:

Labcorp Genetics (formerly Invitae), Labcorp
Classification: Uncertain significance. Last evaluated: 2022-11-06. Review status: criteria provided, single submitter. Criteria: Invitae Variant Classification Sherloc (09022015). Collection method: clinical testing. Allele origin: germline.
Comment: In summary, the available evidence is currently insufficient to determine the role of this variant in disease. Therefore, it has been classified as a Variant of Uncertain Significance. Advanced modeling of protein sequence and biophysical properties (such as structural, functional, and spatial information, amino acid conservation, physicochemical variation, residue mobility, and thermodynamic stability) performed at Invitae indicates that this missense variant is not expected to disrupt COL4A2 protein function. This variant has not been reported in the literature in individuals affected with COL4A2-related conditions. This variant is not present in population databases (gnomAD no frequency). This sequence change replaces glycine, which is neutral and non-polar, with aspartic acid, which is acidic and polar, at codon 1073 of the COL4A2 protein (p.Gly1073Asp).